The following is an entry in ClinVar:

ClinVar aggregate classification (germline): Uncertain significance (1 of 4 stars; one submission).

Submission:

Labcorp Genetics (formerly Invitae), Labcorp
Classification: Uncertain significance. Last evaluated: 2023-04-10. Review status: criteria provided, single submitter. Criteria: Invitae Variant Classification Sherloc (09022015). Collection method: clinical testing. Allele origin: germline.
Comment: In summary, the available evidence is currently insufficient to determine the role of this variant in disease. Therefore, it has been classified as a Variant of Uncertain Significance. An algorithm developed to predict the effect of missense changes on protein structure and function (PolyPhen-2) suggests that this variant is likely to be tolerated. This variant has not been reported in the literature in individuals affected with ERBB2-related conditions. This variant is not present in population databases (gnomAD no frequency). This sequence change replaces glycine, which is neutral and non-polar, with arginine, which is basic and polar, at codon 1057 of the ERBB2 protein (p.Gly1057Arg).

NM_004448.4(ERBB2):c.3169G>A (p.Gly1057Arg)

Gene: ERBB2 (erb-b2 receptor tyrosine kinase 2; plus strand). Cytogenetic location: 17q12.
Variant type: single nucleotide variant.
Coding change: c.3169G>A on transcript NM_004448.4 (MANE Select); coding-DNA position 3169, G replaced by A.
Protein change: p.Gly1057Arg; replaces glycine 1057 with arginine.
Molecular consequence: missense variant. On other transcripts: non-coding transcript variant (1), intron variant (2).
Genome position (GRCh38, 1-based): chr17:39,727,304, G>A. VCF-style: chr17-39727304-G-A. GRCh37 (hg19) VCF-style: chr17-37883557-G-A.
Other names: c.3079G>A, p.Gly1027Arg (NM_001382782.1, NM_001382783.1, NM_001005862.3); c.3286G>A, p.Gly1096Arg (NM_001382784.1); c.3271G>A, p.Gly1091Arg (NM_001382785.1); c.3250G>A, p.Gly1084Arg (NM_001382786.1); c.3244G>A, p.Gly1082Arg (NM_001382787.1); c.3199G>A, p.Gly1067Arg (NM_001382788.1); c.3190G>A, p.Gly1064Arg (NM_001382789.1); c.3166G>A, p.Gly1056Arg (NM_001382790.1); and 17 more; short protein forms G1027R, G1028R, G1045R, G1067R, G1082R, G1091R, G997R, G1005R.
Identifiers: ClinVar variation 3009353 (VCV003009353.3), dbSNP rs2143231874, ClinGen allele CA399310128.